The following is an entry in ClinVar:

NM_000090.4(COL3A1):c.2824-8T>A

Gene: COL3A1 (collagen type III alpha 1 chain; plus strand). Cytogenetic location: 2q32.2.
Variant type: single nucleotide variant.
Coding change: c.2824-8T>A on transcript NM_000090.4 (MANE Select); 8 bases into the intron before coding-DNA position 2824, T replaced by A.
Molecular consequence: intron variant.
Genome position (GRCh38, 1-based): chr2:189,004,249, T>A. VCF-style: chr2-189004249-T-A. GRCh37 (hg19) VCF-style: chr2-189868975-T-A.
Identifiers: ClinVar variation 4085426 (VCV004085426.8).

ClinVar aggregate classification (germline): Likely pathogenic (1 of 4 stars; one submission).

Submission:

CeGaT Center for Human Genetics Tuebingen
Classification: Likely pathogenic. Last evaluated: 2025-07-01. Review status: criteria provided, single submitter. Criteria: CeGaT Center For Human Genetics Tuebingen Variant Classification Criteria Version 2. Collection method: clinical testing. Allele origin: germline. Affected: yes. Observed: 1 variant allele.
Comment: COL3A1: PM2, PS2:Moderate, PP3, PP4